The following is an entry in ClinVar:

NM_030665.4(RAI1):c.1970C>T (p.Ala657Val)

Gene: RAI1 (retinoic acid induced 1; plus strand). Cytogenetic location: 17p11.2.
Variant type: single nucleotide variant.
Coding change: c.1970C>T on transcript NM_030665.4 (MANE Select); coding-DNA position 1970, C replaced by T.
Protein change: p.Ala657Val; replaces alanine 657 with valine.
Molecular consequence: missense variant.
Genome position (GRCh38, 1-based): chr17:17,794,918, C>T. VCF-style: chr17-17794918-C-T. GRCh37 (hg19) VCF-style: chr17-17698232-C-T.
Other names: c.1970C>T (NM_030665.3); short protein forms A657V.
Identifiers: ClinVar variation 2190540 (VCV002190540.7), dbSNP rs928593627, ClinGen allele CA288368050.

ClinVar aggregate classification (germline): Uncertain significance. Review status: criteria provided, multiple submitters, no conflicts (2 of 4 stars). 2 submissions from 2 submitters: Uncertain significance (2). Last evaluated 2026-02-03.

Conditions:
RAI1-related disorder. Also called: RAI1-related condition.

Allele frequency attached by ClinVar (database versions not stated): gnomAD 0.00002; gnomAD exomes 0.00002; TOPMed 0.00003.

Submissions (2):

PreventionGenetics, part of Exact Sciences
Classification: Uncertain significance for RAI1-related condition. Last evaluated: 2026-02-03. Review status: criteria provided, single submitter. Criteria: ACMG Guidelines, 2015. Collection method: clinical testing. Allele origin: germline.
Comment: The RAI1 c.1970C>T variant is predicted to result in the amino acid substitution p.Ala657Val. To our knowledge, this variant has not been reported in the literature. This variant was not observed in the gnomAD v2.1.1 population database, but is present in 35 alleles in gnomADv4.1.0. Although we suspect that this variant may be benign, at this time, the clinical significance of this variant is uncertain due to the absence of conclusive functional and genetic evidence.

Labcorp Genetics (formerly Invitae), Labcorp
Classification: Uncertain significance. Last evaluated: 2024-06-15. Review status: criteria provided, single submitter. Criteria: Invitae Variant Classification Sherloc (09022015). Collection method: clinical testing. Allele origin: germline.
Comment: This sequence change replaces alanine, which is neutral and non-polar, with valine, which is neutral and non-polar, at codon 657 of the RAI1 protein (p.Ala657Val). This variant is not present in population databases (gnomAD no frequency). This variant has not been reported in the literature in individuals affected with RAI1-related conditions. ClinVar contains an entry for this variant (Variation ID: 2190540). Advanced modeling of protein sequence and biophysical properties (such as structural, functional, and spatial information, amino acid conservation, physicochemical variation, residue mobility, and thermodynamic stability) performed at Invitae indicates that this missense variant is not expected to disrupt RAI1 protein function with a negative predictive value of 80%. In summary, the available evidence is currently insufficient to determine the role of this variant in disease. Therefore, it has been classified as a Variant of Uncertain Significance.